The following is an entry in ClinVar:

ClinVar aggregate classification (germline): Likely benign. Review status: criteria provided, multiple submitters, no conflicts (2 of 4 stars). 3 submissions from 3 submitters: Likely benign (2). 1 of the submissions does not count toward it. Last evaluated 2023-12-27.

Conditions:
TRPV3-related disorder. Also called: TRPV3-related condition.

Allele frequency attached by ClinVar (database versions not stated): gnomAD exomes 0.00003; ExAC 0.00006; TOPMed 0.00040; ESP Exome Variant Server 0.00046.
gnomAD v4.1: 100 of 1,612,474 alleles (0.0062%); highest among the groups gnomAD compares: African/African-American, 0.088%; no homozygotes.

Submissions (3):

Labcorp Genetics (formerly Invitae), Labcorp
Classification: Likely benign. Last evaluated: 2023-12-27. Review status: criteria provided, single submitter. Criteria: Invitae Variant Classification Sherloc (09022015). Collection method: clinical testing. Allele origin: germline.

Blueprint Genetics
Classification: Likely benign. Last evaluated: 2021-12-09. Review status: criteria provided, single submitter. Criteria: ACMG Guidelines, 2015. Collection method: clinical testing. Allele origin: germline.

PreventionGenetics, part of Exact Sciences
Classification: Likely benign for TRPV3-related condition. Last evaluated: 2019-05-20. Review status: no assertion criteria provided. Collection method: clinical testing. Allele origin: germline. Not counted in ClinVar's aggregate classification.
Comment: This variant is classified as likely benign based on ACMG/AMP sequence variant interpretation guidelines (Richards et al. 2015 PMID: 25741868, with internal and published modifications).

NM_145068.4(TRPV3):c.93G>A (p.Pro31=)

Gene: TRPV3 (transient receptor potential cation channel subfamily V member 3; minus strand). Cytogenetic location: 17p13.2.
Variant type: single nucleotide variant.
Coding change: c.93G>A on transcript NM_145068.4 (MANE Select); coding-DNA position 93, G replaced by A.
Protein change: p.Pro31=; no amino-acid change (proline 31 retained).
Molecular consequence: synonymous variant.
Genome position (GRCh38, 1-based): chr17:3,554,758, C>T on the plus strand (G>A on the coding strand, the complement: TRPV3 is on the minus strand). VCF-style: chr17-3554758-C-T. GRCh37 (hg19) VCF-style: chr17-3458052-C-T.
Other names: c.93G>A (NM_145068.3); c.93G>A, p.Pro31= (NM_001258205.2).
Identifiers: ClinVar variation 2085865 (VCV002085865.7), dbSNP rs150128236, ClinGen allele CA8290025.